The following is an entry in ClinVar:

ClinVar aggregate classification (germline): Likely pathogenic (1 of 4 stars; one submission).

Conditions:
Marfan syndrome (MFS). Also called: MARFAN SYNDROME, TYPE I; Marfan syndrome type 1; Marfan's syndrome; Marfan syndrome, classic; FBN1-Related Marfan Syndrome. Identifiers: Orphanet 284963, Orphanet 558, MedGen C0024796, MONDO:0007947, OMIM 154700.

Submission:

Rajaie Cardiovascular, Medical and Research Center, Iran University of Medical Sciences
Classification: Likely pathogenic for Marfan syndrome. Review status: criteria provided, single submitter. Criteria: ACMG Guidelines, 2015. Collection method: research. Allele origin: germline. Inheritance: Autosomal dominant inheritance. Affected: yes. Observed: 1 heterozygote.
Comment: ACMG and in silico analysis, including Mutation Taster, CADD, Polyphen-2, and SIFT, showed the potential c.1677_1678insAT association with disease causation.

NM_000138.5(FBN1):c.1677_1678insAT (p.Gly560fs)

Gene: FBN1 (fibrillin 1; minus strand). Cytogenetic location: 15q21.1.
Variant type: Insertion.
Coding change: c.1677_1678insAT on transcript NM_000138.5 (MANE Select); coding-DNA positions 1677 to 1678, AT inserted.
Protein change: p.Gly560fs; shifts the reading frame from glycine 560.
Molecular consequence: frameshift variant.
Genome position: GRCh38 VCF-style: chr15-48510080-C-CAT. GRCh37 (hg19) VCF-style: chr15-48802277-C-CAT.
Other names: c.1677_1678insAT, p.Gly560fs (NM_001406716.1); short protein forms G560fs.
Identifiers: ClinVar variation 3251244 (VCV003251244.2), dbSNP rs2505606028.